The following is an entry in ClinVar:

ClinVar aggregate classification (germline): Uncertain significance. Review status: criteria provided, multiple submitters, no conflicts (2 of 4 stars). 3 submissions from 3 submitters: Uncertain significance (3). Last evaluated 2022-08-15.

Conditions:
Koolen-de Vries syndrome (KDVS). Identifiers: Orphanet 96169, MedGen C1864871, MONDO:0012496, OMIM 610443.

Allele frequency attached by ClinVar (database versions not stated): gnomAD exomes below 0.00001; TOPMed 0.00001.
gnomAD v4.1: 2 of 1,614,220 alleles (0.00012%); highest among the groups gnomAD compares: Non-Finnish European, 0.000085%; no homozygotes.

Submissions (3):

Labcorp Genetics (formerly Invitae), Labcorp
Classification: Uncertain significance for Koolen-de Vries syndrome. Last evaluated: 2022-08-15. Review status: criteria provided, single submitter. Criteria: Invitae Variant Classification Sherloc (09022015). Collection method: clinical testing. Allele origin: germline.
Comment: This variant has not been reported in the literature in individuals with KANSL1-related conditions. ClinVar contains an entry for this variant (Variation ID: 1019960). Algorithms developed to predict the effect of missense changes on protein structure and function (SIFT, PolyPhen-2, Align-GVGD) all suggest that this variant is likely to be tolerated. Algorithms developed to predict the effect of sequence changes on RNA splicing suggest that this variant may create or strengthen a splice site. Until the location of this sequence change can be resolved, the clinical significance of this variant remains uncertain. It has been classified as a Variant of Uncertain Significance. The frequency data for this variant in the population databases (gnomAD) is considered unreliable due to the presence of homologous sequence, such as pseudogenes or paralogs, in the genome. This sequence change replaces serine, which is neutral and polar, with glycine, which is neutral and non-polar, at codon 359 of the KANSL1 protein (p.Ser359Gly). Due to the possible presence of a polymorphic segmental duplication, the location of the variant could not be unambiguously resolved. Variants with ambiguous mapping are still reported relative to the KANSL1 transcript.

New York Genome Center
Classification: Uncertain significance for Koolen-de Vries syndrome. Last evaluated: 2021-08-27. Review status: criteria provided, single submitter. Criteria: NYGC Assertion Criteria 2020. Collection method: clinical testing. Allele origin: inherited. Observed: 1 heterozygote. Study: CSER-NYCKidSeq.

Breakthrough Genomics
Classification: Uncertain significance. Review status: criteria provided, single submitter. Criteria: ACMG Guidelines, 2015. Collection method: not provided. Allele origin: germline. Inheritance: Autosomal dominant inheritance. Affected: yes.

NM_015443.4(KANSL1):c.1075A>G (p.Ser359Gly)

Gene: KANSL1 (KAT8 regulatory NSL complex subunit 1). Cytogenetic location: 17q21.31.
Variant type: single nucleotide variant.
Coding change: c.1075A>G on transcript NM_015443.4 (MANE Select); coding-DNA position 1075, A replaced by G.
Protein change: p.Ser359Gly; replaces serine 359 with glycine.
Molecular consequence: missense variant.
Genome position (GRCh38, 1-based): chr17:46,171,069, T>C on the plus strand (A>G on the coding strand, the complement: KANSL1 is on the minus strand). VCF-style: chr17-46171069-T-C. GRCh37 (hg19) VCF-style: chr17-44248435-T-C.
Other names: c.1075A>G, p.Ser359Gly (NM_001193465.2, NM_001193466.2, NM_001379198.1); short protein forms S359G.
Identifiers: ClinVar variation 1019960 (VCV001019960.10), dbSNP rs1309097254, ClinGen allele CA399979390.